The following is an entry in ClinVar:

ClinVar aggregate classification (germline): Uncertain significance. Review status: criteria provided, multiple submitters, no conflicts (2 of 4 stars). 2 submissions from 2 submitters: Uncertain significance (2). Last evaluated 2025-09-26.

Conditions:
Inborn genetic diseases. Identifiers: MedGen C0950123, MeSH D030342.

Allele frequency attached by ClinVar (database versions not stated): gnomAD 0.00010; gnomAD exomes 0.00012; TOPMed 0.00009; ExAC 0.00006.
gnomAD v4.1: 181 of 1,609,274 alleles (0.011%); highest among the groups gnomAD compares: Non-Finnish European, 0.015%; no homozygotes.

Submissions (2):

Ambry Genetics
Classification: Uncertain significance for Inborn genetic diseases. Last evaluated: 2025-09-26. Review status: criteria provided, single submitter. Criteria: Ambry Variant Classification Scheme 2023. Collection method: clinical testing. Allele origin: germline.

Labcorp Genetics (formerly Invitae), Labcorp
Classification: Uncertain significance. Last evaluated: 2022-08-10. Review status: criteria provided, single submitter. Criteria: Invitae Variant Classification Sherloc (09022015). Collection method: clinical testing. Allele origin: germline.
Comment: This sequence change replaces serine, which is neutral and polar, with leucine, which is neutral and non-polar, at codon 176 of the IARS2 protein (p.Ser176Leu). This variant is present in population databases (rs542012254, gnomAD 0.01%). This variant has not been reported in the literature in individuals affected with IARS2-related conditions. Algorithms developed to predict the effect of missense changes on protein structure and function (SIFT, PolyPhen-2, Align-GVGD) all suggest that this variant is likely to be disruptive. In summary, the available evidence is currently insufficient to determine the role of this variant in disease. Therefore, it has been classified as a Variant of Uncertain Significance.

NM_018060.4(IARS2):c.527C>T (p.Ser176Leu)

Gene: IARS2 (isoleucyl-tRNA synthetase 2, mitochondrial; plus strand). Cytogenetic location: 1q41.
Variant type: single nucleotide variant.
Coding change: c.527C>T on transcript NM_018060.4 (MANE Select); coding-DNA position 527, C replaced by T.
Protein change: p.Ser176Leu; replaces serine 176 with leucine.
Molecular consequence: missense variant.
Genome position (GRCh38, 1-based): chr1:220,100,626, C>T. VCF-style: chr1-220100626-C-T. GRCh37 (hg19) VCF-style: chr1-220273968-C-T.
Other names: c.527C>T (NM_018060.3); short protein forms S176L.
Identifiers: ClinVar variation 2081309 (VCV002081309.4), dbSNP rs542012254, ClinGen allele CA1401122.